The following is an entry in ClinVar:

NM_012479.4(YWHAG):c.465C>T (p.Ser155=)

Gene: YWHAG (tyrosine 3-monooxygenase/tryptophan 5-monooxygenase activation protein gamma; minus strand). Cytogenetic location: 7q11.23.
Variant type: single nucleotide variant.
Coding change: c.465C>T on transcript NM_012479.4 (MANE Select); coding-DNA position 465, C replaced by T.
Protein change: p.Ser155=; no amino-acid change (serine 155 retained).
Molecular consequence: synonymous variant.
Genome position (GRCh38, 1-based): chr7:76,329,856, G>A on the plus strand (C>T on the coding strand, the complement: YWHAG is on the minus strand). VCF-style: chr7-76329856-G-A. GRCh37 (hg19) VCF-style: chr7-75959173-G-A.
Other names: c.465C>T (NM_012479.3).
Identifiers: ClinVar variation 1608171 (VCV001608171.10), dbSNP rs111385409, ClinGen allele CA4306529.

ClinVar aggregate classification (germline): Likely benign. Review status: criteria provided, single submitter (1 of 4 stars). 2 submissions from 2 submitters: Likely benign (1). 1 of the submissions does not count toward it. Last evaluated 2026-01-13.

Conditions:
YWHAG-related disorder. Also called: YWHAG-related condition.

Allele frequency attached by ClinVar (database versions not stated): ESP Exome Variant Server 0.00015; gnomAD 0.00021 and 0.00020; 1000 Genomes Project 30x 0.00016; ExAC 0.00008; 1000 Genomes Project 0.00020; TOPMed 0.00027.
gnomAD v4.1: 93 of 1,614,024 alleles (0.0058%); highest among the groups gnomAD compares: African/African-American, 0.059%; no homozygotes.

Submissions (2):

Labcorp Genetics (formerly Invitae), Labcorp
Classification: Likely benign. Last evaluated: 2026-01-13. Review status: criteria provided, single submitter. Criteria: Invitae Variant Classification Sherloc (09022015). Collection method: clinical testing. Allele origin: germline.

PreventionGenetics, part of Exact Sciences
Classification: Likely benign for YWHAG-related condition. Last evaluated: 2019-06-18. Review status: no assertion criteria provided. Collection method: clinical testing. Allele origin: germline. Not counted in ClinVar's aggregate classification.
Comment: This variant is classified as likely benign based on ACMG/AMP sequence variant interpretation guidelines (Richards et al. 2015 PMID: 25741868, with internal and published modifications).